The following is an entry in ClinVar:

NM_006904.7(PRKDC):c.3032A>G (p.Glu1011Gly)

Gene: PRKDC (protein kinase, DNA-activated, catalytic subunit; minus strand). Cytogenetic location: 8q11.21.
Variant type: single nucleotide variant.
Coding change: c.3032A>G on transcript NM_006904.7 (MANE Select); coding-DNA position 3032, A replaced by G.
Protein change: p.Glu1011Gly; replaces glutamic acid 1011 with glycine.
Molecular consequence: missense variant.
Genome position (GRCh38, 1-based): chr8:47,904,879, T>C on the plus strand (A>G on the coding strand, the complement: PRKDC is on the minus strand). VCF-style: chr8-47904879-T-C. GRCh37 (hg19) VCF-style: chr8-48817439-T-C.
Other names: c.3032A>G, p.Glu1011Gly (NM_001081640.2); short protein forms E1011G.
Identifiers: ClinVar variation 1379413 (VCV001379413.3), dbSNP rs370942895, ClinGen allele CA4741301.

ClinVar aggregate classification (germline): Uncertain significance (1 of 4 stars; one submission).

Conditions:
Severe combined immunodeficiency due to DNA-PKcs deficiency. Also called: IMMUNODEFICIENCY 26 WITH NEUROLOGIC ABNORMALITIES; Immunodeficiency 26 with or without neurologic abnormalities. Identifiers: Orphanet 317425, MedGen C4014833, MONDO:0014423, OMIM 615966.

Allele frequency attached by ClinVar (database versions not stated): gnomAD exomes 0.00001 and 0.00002; ExAC 0.00003; ESP Exome Variant Server 0.00008; gnomAD 0.00009 and 0.00011; TOPMed 0.00011.
gnomAD v4.1: 32 of 1,597,778 alleles (0.002%); highest among the groups gnomAD compares: African/African-American, 0.036%; no homozygotes.

Submission:

Labcorp Genetics (formerly Invitae), Labcorp
Classification: Uncertain significance for Severe combined immunodeficiency due to DNA-PKcs deficiency. Last evaluated: 2022-07-24. Review status: criteria provided, single submitter. Criteria: Invitae Variant Classification Sherloc (09022015). Collection method: clinical testing. Allele origin: germline.
Comment: This sequence change replaces glutamic acid, which is acidic and polar, with glycine, which is neutral and non-polar, at codon 1011 of the PRKDC protein (p.Glu1011Gly). This variant is present in population databases (rs370942895, gnomAD 0.04%). This variant has not been reported in the literature in individuals affected with PRKDC-related conditions. ClinVar contains an entry for this variant (Variation ID: 1379413). Experimental studies and prediction algorithms are not available or were not evaluated, and the functional significance of this variant is currently unknown. In summary, the available evidence is currently insufficient to determine the role of this variant in disease. Therefore, it has been classified as a Variant of Uncertain Significance.